The following is an entry in ClinVar:

ClinVar aggregate classification (germline): Likely benign. Review status: criteria provided, multiple submitters, no conflicts (2 of 4 stars). 2 submissions from 2 submitters: Likely benign (2). Last evaluated 2024-02-11.

Conditions:
Familial hemiplegic migraine. Identifiers: MedGen C0338484, MONDO:0000700.

Allele frequency attached by ClinVar (database versions not stated): gnomAD 0.00001; gnomAD exomes 0.00001 and 0.00002; ExAC 0.00003; TOPMed 0.00003.
gnomAD v4.1: 14 of 1,614,082 alleles (0.00087%); highest among the groups gnomAD compares: South Asian, 0.0033%; no homozygotes.

Submissions (2):

Labcorp Genetics (formerly Invitae), Labcorp
Classification: Likely benign for Familial hemiplegic migraine. Last evaluated: 2024-02-11. Review status: criteria provided, single submitter. Criteria: Invitae Variant Classification Sherloc (09022015). Collection method: clinical testing. Allele origin: germline.

GeneDx
Classification: Likely benign. Last evaluated: 2017-09-20. Review status: criteria provided, single submitter. Criteria: GeneDx Variant Classification (06012015). Collection method: clinical testing. Allele origin: germline. Affected: yes.
Comment: This variant is considered likely benign or benign based on one or more of the following criteria: it is a conservative change, it occurs at a poorly conserved position in the protein, it is predicted to be benign by multiple in silico algorithms, and/or has population frequency not consistent with disease.

NM_000702.4(ATP1A2):c.1473C>T (p.His491=)

Gene: ATP1A2 (ATPase Na+/K+ transporting subunit alpha 2; plus strand). Cytogenetic location: 1q23.2.
Variant type: single nucleotide variant.
Coding change: c.1473C>T on transcript NM_000702.4 (MANE Select); coding-DNA position 1473, C replaced by T.
Protein change: p.His491=; no amino-acid change (histidine 491 retained).
Molecular consequence: synonymous variant.
Genome position (GRCh38, 1-based): chr1:160,130,113, C>T. VCF-style: chr1-160130113-C-T. GRCh37 (hg19) VCF-style: chr1-160099903-C-T.
Identifiers: ClinVar variation 512166 (VCV000512166.5), dbSNP rs768902765, ClinGen allele CA1194501.
Genomic context (GRCh38, chr1:160,130,113, plus strand): 5'-CTACCAAGACAAGTATGGCCCTCTCTGTAACTACCTGTTGTCTCTCCAGCTGTCTATCCA[C>T]GAGCGAGAAGACAGCCCCCAGAGCCACGTGCTGGTGATGAAGGGGGCCCCAGAGCGCATT-3'
Protein context (NP_000693.1, residues 481-501): NSTNKYQLSI[His491=]EREDSPQSHV